The following is an entry in ClinVar:

NM_017780.4(CHD7):c.2246G>A (p.Arg749Gln)

Gene: CHD7 (chromodomain helicase DNA binding protein 7; plus strand). Cytogenetic location: 8q12.2.
Variant type: single nucleotide variant.
Coding change: c.2246G>A on transcript NM_017780.4 (MANE Select); coding-DNA position 2246, G replaced by A.
Protein change: p.Arg749Gln; replaces arginine 749 with glutamine.
Molecular consequence: missense variant. On other transcripts: intron variant (1).
Genome position (GRCh38, 1-based): chr8:60,800,395, G>A. VCF-style: chr8-60800395-G-A. GRCh37 (hg19) VCF-style: chr8-61712954-G-A.
Other names: c.1716+19345G>A (NM_001316690.1); short protein forms R749Q.
Identifiers: ClinVar variation 1387263 (VCV001387263.6), dbSNP rs942764555, ClinGen allele CA177315179.

ClinVar aggregate classification (germline): Uncertain significance (1 of 4 stars; one submission).

Conditions:
CHARGE syndrome (CHARGE). Also called: Hittner Hirsch Kreh syndrome; CHARGE ASSOCIATION--COLOBOMA, HEART ANOMALY, CHOANAL ATRESIA, RETARDATION, GENITAL AND EAR ANOMALIES; Coloboma, heart anomaly, choanal atresia, retardation, genital and ear anomalies; CHARGE association; Hall-Hittner syndrome. Identifiers: Orphanet 138, MedGen C0265354, MONDO:0008965.

Allele frequency attached by ClinVar (database versions not stated): gnomAD exomes below 0.00001; TOPMed below 0.00001.
gnomAD v4.1: 1 of 1,613,168 alleles (0.000062%); highest among the groups gnomAD compares: Non-Finnish European, 0.000085%; no homozygotes.

Submission:

Labcorp Genetics (formerly Invitae), Labcorp
Classification: Uncertain significance for CHARGE syndrome. Last evaluated: 2021-10-20. Review status: criteria provided, single submitter. Criteria: Invitae Variant Classification Sherloc (09022015). Collection method: clinical testing. Allele origin: germline.
Comment: This variant is not present in population databases (ExAC no frequency). In summary, the available evidence is currently insufficient to determine the role of this variant in disease. Therefore, it has been classified as a Variant of Uncertain Significance. Advanced modeling of protein sequence and biophysical properties (such as structural, functional, and spatial information, amino acid conservation, physicochemical variation, residue mobility, and thermodynamic stability) performed at Invitae indicates that this missense variant is not expected to disrupt CHD7 protein function. This variant has not been reported in the literature in individuals affected with CHD7-related conditions. This sequence change replaces arginine with glutamine at codon 749 of the CHD7 protein (p.Arg749Gln). The arginine residue is highly conserved and there is a small physicochemical difference between arginine and glutamine.